The following is an entry in ClinVar:

NM_003873.7(NRP1):c.1636T>C (p.Tyr546His)

Gene: NRP1 (neuropilin 1; minus strand). Cytogenetic location: 10p11.22.
Variant type: single nucleotide variant.
Coding change: c.1636T>C on transcript NM_003873.7 (MANE Select); coding-DNA position 1636, T replaced by C.
Protein change: p.Tyr546His; replaces tyrosine 546 with histidine.
Molecular consequence: missense variant. On other transcripts: non-coding transcript variant (1).
Genome position (GRCh38, 1-based): chr10:33,207,695, A>G on the plus strand (T>C on the coding strand, the complement: NRP1 is on the minus strand). VCF-style: chr10-33207695-A-G. GRCh37 (hg19) VCF-style: chr10-33496623-A-G.
Other names: c.1636T>C, p.Tyr546His (NM_001024628.3, NM_001024629.3, NM_001244972.2 and 2 more transcripts); short protein forms Y546H.
Identifiers: ClinVar variation 4997899 (VCV004997899.1).
Genomic context (GRCh38, chr10:33,207,695, plus strand): 5'-GGTAGATCCTGATGAATCGCGTGGAGAGAGCTGGAAAAGTCCGCAGCTCAGGTGTATCAT[A>G]GTTGTTGTTGCCCTCAAAAGACTGTGAAGCATGGAAAACACAGGGCATTAAGGAAAAAAA-3'
Protein context (NP_003864.5, residues 536-556): KAKSFEGNNN[Tyr546His]DTPELRTFPA

ClinVar aggregate classification (germline): Uncertain significance (1 of 4 stars; one submission).

Conditions:
NRP1-related disorder. Also called: NRP1-related condition.

gnomAD v4.1: 1 of 1,613,948 alleles (0.000062%); highest among the groups gnomAD compares: South Asian, 0.0011%; no homozygotes.

Submission:

PreventionGenetics, part of Exact Sciences
Classification: Uncertain significance for NRP1-related condition. Last evaluated: 2024-11-13. Review status: criteria provided, single submitter. Criteria: ACMG Guidelines, 2015. Collection method: clinical testing. Allele origin: germline.
Comment: The NRP1 c.1636T>C variant is predicted to result in the amino acid substitution p.Tyr546His. To our knowledge, this variant has not been reported in the literature. This variant is reported in 0.0033% of alleles in individuals of South Asian descent in gnomAD. At this time, the clinical significance of this variant is uncertain due to the absence of conclusive functional and genetic evidence.